The following is an entry in ClinVar:

ClinVar aggregate classification (germline): Uncertain significance. Review status: criteria provided, single submitter (1 of 4 stars). 2 submissions from 2 submitters: Uncertain significance (1). 1 of the submissions does not count toward it. Last evaluated 2021-09-02.

Conditions:
Neuronal ceroid lipofuscinosis 8 (CLN8). Also called: CLN8-Related Neuronal Ceroid-Lipofuscinosis. Identifiers: Orphanet 168491, Orphanet 228354, Orphanet 79264, MedGen C1838570, MONDO:0010830, OMIM 600143.
Neuronal ceroid lipofuscinosis. Also called: Neuronal Ceroid Lipofuscinoses. Identifiers: Orphanet 216, Orphanet 79263, MedGen C0027877, MONDO:0016295. Disease mechanism: loss of function.

Allele frequency attached by ClinVar (database versions not stated): gnomAD exomes below 0.00001; TOPMed below 0.00001.

Submissions (2):

Labcorp Genetics (formerly Invitae), Labcorp
Classification: Uncertain significance for Neuronal ceroid lipofuscinosis. Last evaluated: 2021-09-02. Review status: criteria provided, single submitter. Criteria: Invitae Variant Classification Sherloc (09022015). Collection method: clinical testing. Allele origin: germline.
Comment: This sequence change replaces valine with methionine at codon 261 of the CLN8 protein (p.Val261Met). The valine residue is highly conserved and there is a small physicochemical difference between valine and methionine. This variant is not present in population databases (ExAC no frequency). This variant has not been reported in the literature in individuals affected with CLN8-related conditions. Algorithms developed to predict the effect of missense changes on protein structure and function are either unavailable or do not agree on the potential impact of this missense change (SIFT: "Deleterious"; PolyPhen-2: "Possibly Damaging"; Align-GVGD: "Class C0"). In summary, the available evidence is currently insufficient to determine the role of this variant in disease. Therefore, it has been classified as a Variant of Uncertain Significance.

Natera, Inc.
Classification: Uncertain significance for Neuronal ceroid lipofuscinosis 8. Last evaluated: 2020-01-24. Review status: no assertion criteria provided. Collection method: clinical testing. Allele origin: germline. Not counted in ClinVar's aggregate classification.

NM_018941.4(CLN8):c.781G>A (p.Val261Met)

Gene: CLN8 (CLN8 transmembrane ER and ERGIC protein; plus strand). Cytogenetic location: 8p23.3.
Variant type: single nucleotide variant.
Coding change: c.781G>A on transcript NM_018941.4 (MANE Select); coding-DNA position 781, G replaced by A.
Protein change: p.Val261Met; replaces valine 261 with methionine.
Molecular consequence: missense variant.
Genome position (GRCh38, 1-based): chr8:1,780,487, G>A. VCF-style: chr8-1780487-G-A. GRCh37 (hg19) VCF-style: chr8-1728653-G-A.
Other names: short protein forms V261M.
Identifiers: ClinVar variation 1000047 (VCV001000047.3), dbSNP rs1482950665, ClinGen allele CA369954309.
Genomic context (GRCh38, chr8:1,780,487, plus strand): 5'-CTTACGCTAATCATTAATCCATATTGGACCCATAAGAAGACTCAGCAGCTTCTCAATCCG[G>A]TGGACTGGAACTTCGCACAGCCAGAAGCCAAGAGCAGGCCAGAAGGCAACGGGCAGCTGC-3'
Protein context (NP_061764.2, residues 251-271): HKKTQQLLNP[Val261Met]DWNFAQPEAK